The following is an entry in ClinVar:

NM_006279.5(ST3GAL3):c.542A>G (p.Tyr181Cys)

Gene: ST3GAL3 (ST3 beta-galactoside alpha-2,3-sialyltransferase 3; plus strand). Cytogenetic location: 1p34.1.
Variant type: single nucleotide variant.
Coding change: c.542A>G on transcript NM_006279.5 (MANE Select); coding-DNA position 542, A replaced by G.
Protein change: p.Tyr181Cys; replaces tyrosine 181 with cysteine.
Molecular consequence: missense variant. On other transcripts: non-coding transcript variant (7), intron variant (4).
Genome position (GRCh38, 1-based): chr1:43,899,248, A>G. VCF-style: chr1-43899248-A-G. GRCh37 (hg19) VCF-style: chr1-44364920-A-G.
Other names: c.542A>G, p.Tyr181Cys (NM_001270459.2, NM_001350620.2, NM_174966.4); c.449A>G, p.Tyr150Cys (NM_001270460.2); c.494A>G, p.Tyr165Cys (NM_001270461.3, NM_001270464.3, NM_174969.4); c.401A>G, p.Tyr134Cys (NM_001270462.3); c.539A>G, p.Tyr180Cys (NM_001270463.3, NM_001270465.3); c.587A>G, p.Tyr196Cys (NM_001350619.2, NM_174964.4); c.263A>G, p.Tyr88Cys (NM_001350621.2); c.704A>G, p.Tyr235Cys (NM_001363573.2, NM_174968.5); and 6 more; short protein forms Y196C, Y219C, Y165C, Y134C, Y150C, Y180C, Y181C, Y235C.
Identifiers: ClinVar variation 845948 (VCV000845948.10), dbSNP rs779424250, ClinGen allele CA340270081.

ClinVar aggregate classification (germline): Uncertain significance (1 of 4 stars; one submission).

Conditions:
Early-infantile DEE. Also called: Ohtahara syndrome; Early infantile epileptic encephalopathy with suppression bursts; Early infantile epileptic encephalopathy. Identifiers: Orphanet 1934, MedGen C0393706, MONDO:0800491.

Submission:

Labcorp Genetics (formerly Invitae), Labcorp
Classification: Uncertain significance for Early-infantile DEE. Last evaluated: 2020-11-21. Review status: criteria provided, single submitter. Criteria: Invitae Variant Classification Sherloc (09022015). Collection method: clinical testing. Allele origin: germline.
Comment: This sequence change replaces tyrosine with cysteine at codon 181 of the ST3GAL3 protein (p.Tyr181Cys). The tyrosine residue is highly conserved and there is a large physicochemical difference between tyrosine and cysteine. This variant is not present in population databases (ExAC no frequency). This variant has not been reported in the literature in individuals with ST3GAL3-related conditions. Algorithms developed to predict the effect of missense changes on protein structure and function are either unavailable or do not agree on the potential impact of this missense change (SIFT: "Deleterious"; PolyPhen-2: "Probably Damaging"; Align-GVGD: "Class C0"). In summary, the available evidence is currently insufficient to determine the role of this variant in disease. Therefore, it has been classified as a Variant of Uncertain Significance.